The following is an entry in ClinVar:

NM_000059.4(BRCA2):c.9206G>A (p.Cys3069Tyr)

Gene: BRCA2 (BRCA2 DNA repair associated; plus strand). Cytogenetic location: 13q13.1.
Variant type: single nucleotide variant.
Coding change: c.9206G>A on transcript NM_000059.4 (MANE Select); coding-DNA position 9206, G replaced by A.
Protein change: p.Cys3069Tyr; replaces cysteine 3069 with tyrosine.
Molecular consequence: missense variant.
Genome position (GRCh38, 1-based): chr13:32,380,095, G>A. VCF-style: chr13-32380095-G-A. GRCh37 (hg19) VCF-style: chr13-32954232-G-A.
Other names: c.9206G>A (NM_000059.3); short protein forms C3069Y.
Identifiers: ClinVar variation 559995 (VCV000559995.11), dbSNP rs587782091, ClinGen allele CA387758294.

ClinVar aggregate classification (germline): Conflicting classifications of pathogenicity. Review status: criteria provided, conflicting classifications (1 of 4 stars). 3 submissions from 3 submitters: Uncertain significance (1); Likely benign (1). 1 of the submissions does not count toward it. Last evaluated 2025-05-15.

Conditions:
Hereditary cancer-predisposing syndrome. Also called: Hereditary neoplastic syndrome; Neoplastic Syndromes, Hereditary; Tumor predisposition; Hereditary Cancer Syndrome. Identifiers: Orphanet 140162, MedGen C0027672, MeSH D009386, MONDO:0015356.
Malignant tumor of pancreas. Also called: Cancer of the pancreas; Pancreatic cancer; Malignant pancreatic neoplasm. Identifiers: MedGen C0346647, MONDO:0009831.
Hereditary breast ovarian cancer syndrome. Also called: BRCA1- and BRCA2-Associated Hereditary Breast and Ovarian Cancer; Hereditary breast and ovarian cancer syndrome; Hereditary breast and ovarian cancer; Hereditary breast and ovarian cancer syndrome (HBOC); Hereditary breast and/or ovarian cancer syndrome; Breast and ovarian cancer. Identifiers: Orphanet 145, MedGen C0677776, MeSH D061325, MONDO:0003582. Disease mechanism: loss of function.

gnomAD v4.1: 2 of 1,614,038 alleles (0.00012%); highest among the groups gnomAD compares: Middle Eastern, 0.017%; no homozygotes.

Submissions (3):

Ambry Genetics
Classification: Likely benign for Hereditary cancer-predisposing syndrome. Last evaluated: 2025-05-15. Review status: criteria provided, single submitter. Criteria: Ambry Variant Classification Scheme 2023. Collection method: clinical testing. Allele origin: germline.

Labcorp Genetics (formerly Invitae), Labcorp
Classification: Uncertain significance for Hereditary breast ovarian cancer syndrome. Last evaluated: 2023-01-06. Review status: criteria provided, single submitter. Criteria: Invitae Variant Classification Sherloc (09022015). Collection method: clinical testing. Allele origin: germline.
Comment: In summary, the available evidence is currently insufficient to determine the role of this variant in disease. Therefore, it has been classified as a Variant of Uncertain Significance. Advanced modeling of protein sequence and biophysical properties (such as structural, functional, and spatial information, amino acid conservation, physicochemical variation, residue mobility, and thermodynamic stability) performed at Invitae indicates that this missense variant is not expected to disrupt BRCA2 protein function. ClinVar contains an entry for this variant (Variation ID: 559995). This variant has not been reported in the literature in individuals affected with BRCA2-related conditions. This variant is not present in population databases (gnomAD no frequency). This sequence change replaces cysteine, which is neutral and slightly polar, with tyrosine, which is neutral and polar, at codon 3069 of the BRCA2 protein (p.Cys3069Tyr).

3DMed Clinical Laboratory Inc
Classification: Uncertain significance for Cancer of the pancreas. Last evaluated: 2017-08-19. Review status: no assertion criteria provided. Criteria: ACMG Guidelines, 2015. Collection method: clinical testing. Allele origin: germline. Affected: yes. Not counted in ClinVar's aggregate classification.